The following is an entry in ClinVar:

NM_170606.3(KMT2C):c.6344C>A (p.Ala2115Asp)

Gene: KMT2C (lysine methyltransferase 2C; minus strand). Cytogenetic location: 7q36.1.
Variant type: single nucleotide variant.
Coding change: c.6344C>A on transcript NM_170606.3 (MANE Select); coding-DNA position 6344, C replaced by A.
Protein change: p.Ala2115Asp; replaces alanine 2115 with aspartic acid.
Molecular consequence: missense variant.
Genome position (GRCh38, 1-based): chr7:152,181,516, G>T on the plus strand (C>A on the coding strand, the complement: KMT2C is on the minus strand). VCF-style: chr7-152181516-G-T. GRCh37 (hg19) VCF-style: chr7-151878601-G-T.
Other names: short protein forms A2115D.
Identifiers: ClinVar variation 3375314 (VCV003375314.1).

ClinVar aggregate classification (germline): Uncertain significance (1 of 4 stars; one submission).

gnomAD v4.1: 1 of 1,614,076 alleles (0.000062%); highest among the groups gnomAD compares: African/African-American, 0.0013%; no homozygotes.

Submission:

Women's Health and Genetics/Laboratory Corporation of America, LabCorp
Classification: Uncertain significance. Last evaluated: 2024-09-23. Review status: criteria provided, single submitter. Criteria: LabCorp Variant Classification Summary - May 2015. Collection method: clinical testing. Allele origin: germline.
Comment: Variant summary: KMT2C c.6344C>A (p.Ala2115Asp) results in a non-conservative amino acid change in the encoded protein sequence. Three of four in-silico tools predict a damaging effect of the variant on protein function. The variant allele was found at a frequency of 4e-06 in 251316 control chromosomes. The available data on variant occurrences in the general population are insufficient to allow any conclusion about variant significance. To our knowledge, no occurrence of c.6344C>A in individuals affected with Kleefstra Syndrome 2 and no experimental evidence demonstrating its impact on protein function have been reported. No submitters have cited clinical-significance assessments for this variant to ClinVar. Based on the evidence outlined above, the variant was classified as uncertain significance.